The following is an entry in ClinVar:

ClinVar aggregate classification (germline): Benign/Likely benign. Review status: criteria provided, multiple submitters, no conflicts (2 of 4 stars). 3 submissions from 3 submitters: Benign (1); Likely benign (2). Last evaluated 2026-06-11.

Conditions:
Inborn genetic diseases. Identifiers: MedGen C0950123, MeSH D030342.
Tumor predisposition syndrome 2 (TPDS2). Also called: MBD4-ASSOCIATED NEOPLASIA SYNDROME; MBD4-Related Tumor Predisposition Syndrome; MBD4-associated neoplasia syndrome (MANS). Identifiers: Orphanet 661526, MedGen C5774186, MONDO:0859267, OMIM 619975.

Allele frequency attached by ClinVar (database versions not stated): TOPMed below 0.00001; gnomAD 0.00001.

Submissions (3):

Myriad Genetics, Inc.
Classification: Benign for Tumor predisposition syndrome 2. Last evaluated: 2026-06-11. Review status: criteria provided, single submitter. Criteria: Myriad Autosomal Dominant, Autosomal Recessive and X-Linked Classification Criteria (2023). Collection method: clinical testing. Allele origin: unknown.
Comment: This variant is considered benign. This variant is a silent/synonymous amino acid change and it is not expected to impact splicing.

Labcorp Genetics (formerly Invitae), Labcorp
Classification: Likely benign. Last evaluated: 2025-09-23. Review status: criteria provided, single submitter. Criteria: Invitae Variant Classification Sherloc (09022015). Collection method: clinical testing. Allele origin: germline.

Ambry Genetics
Classification: Likely benign for Inborn genetic diseases. Last evaluated: 2024-11-30. Review status: criteria provided, single submitter. Criteria: Ambry Variant Classification Scheme 2023. Collection method: clinical testing. Allele origin: germline.

NM_001276270.2(MBD4):c.1266C>T (p.Ser422=)

Gene: MBD4 (methyl-CpG binding domain 4, DNA glycosylase; minus strand). Cytogenetic location: 3q21.3.
Variant type: single nucleotide variant.
Coding change: c.1266C>T on transcript NM_001276270.2 (MANE Select); coding-DNA position 1266, C replaced by T.
Protein change: p.Ser422=; no amino-acid change (serine 422 retained).
Molecular consequence: synonymous variant.
Genome position (GRCh38, 1-based): chr3:129,433,977, G>A on the plus strand (C>T on the coding strand, the complement: MBD4 is on the minus strand). VCF-style: chr3-129433977-G-A. GRCh37 (hg19) VCF-style: chr3-129152820-G-A.
Other names: c.1284C>T, p.Ser428= (NM_001276271.2, NM_001276272.2, NM_003925.3); c.330C>T, p.Ser110= (NM_001276273.2).
Identifiers: ClinVar variation 2783195 (VCV002783195.5), dbSNP rs758935058, ClinGen allele CA2605342.